The following is an entry in ClinVar:

ClinVar aggregate classification (germline): Uncertain significance (1 of 4 stars; one submission).

Conditions:
Hereditary cancer-predisposing syndrome. Also called: Tumor predisposition; Hereditary Cancer Syndrome; Hereditary neoplastic syndrome; Neoplastic Syndromes, Hereditary. Identifiers: Orphanet 140162, MedGen C0027672, MeSH D009386, MONDO:0015356.

Submission:

Ambry Genetics
Classification: Uncertain significance for Hereditary cancer-predisposing syndrome. Last evaluated: 2024-06-08. Review status: criteria provided, single submitter. Criteria: Ambry Variant Classification Scheme 2023. Collection method: clinical testing. Allele origin: germline.
Comment: The p.P1925A variant (also known as c.5773C>G), located in coding exon 15 of the APC gene, results from a C to G substitution at nucleotide position 5773. The proline at codon 1925 is replaced by alanine, an amino acid with highly similar properties. This amino acid position is conserved. In addition, in silico predictors for this gene do not accurately predict pathogenicity. Based on the available evidence, the clinical significance of this variant remains unclear.

NM_000038.6(APC):c.5773C>G (p.Pro1925Ala)

Gene: APC (APC regulator of Wnt signaling pathway; plus strand). Cytogenetic location: 5q22.2.
Variant type: single nucleotide variant.
Coding change: c.5773C>G on transcript NM_000038.6 (MANE Select); coding-DNA position 5773, C replaced by G.
Protein change: p.Pro1925Ala; replaces proline 1925 with alanine.
Molecular consequence: missense variant. On other transcripts: non-coding transcript variant (2).
Genome position (GRCh38, 1-based): chr5:112,841,367, C>G. VCF-style: chr5-112841367-C-G. GRCh37 (hg19) VCF-style: chr5-112177064-C-G.
Other names: c.5773C>G, p.Pro1925Ala (NM_001127510.3, NM_001354895.2, NM_001407450.1); c.5719C>G, p.Pro1907Ala (NM_001127511.3); c.5827C>G, p.Pro1943Ala (NM_001354896.2, NM_001407447.1, NM_001407448.1 and 1 more transcripts); c.5803C>G, p.Pro1935Ala (NM_001354897.2); c.5698C>G, p.Pro1900Ala (NM_001354898.2); c.5689C>G, p.Pro1897Ala (NM_001354899.2); c.5650C>G, p.Pro1884Ala (NM_001354900.2); c.5596C>G, p.Pro1866Ala (NM_001354901.2, NM_001407453.1); and 11 more; short protein forms P1842A, P1897A, P1907A, P1765A, P1796A, P1799A, P1824A, P1884A.
Identifiers: ClinVar variation 3305708 (VCV003305708.1).
Genomic context (GRCh38, chr5:112,841,367, plus strand): 5'-CAATCAGCTAATAAGACACAAGCTATTGCAAAGCAGCCAATAAATCGAGGTCAGCCTAAA[C>G]CCATACTTCAGAAACAATCCACTTTTCCCCAGTCATCCAAAGACATACCAGACAGAGGGG-3'
Protein context (NP_000029.2, residues 1915-1935): KQPINRGQPK[Pro1925Ala]ILQKQSTFPQ